The following is an entry in ClinVar:

ClinVar aggregate classification (germline): Uncertain significance (1 of 4 stars; one submission).

Conditions:
Aicardi-Goutieres syndrome 4. Identifiers: Orphanet 51, MedGen C1835912, MONDO:0012472, OMIM 610333.

Submission:

Labcorp Genetics (formerly Invitae), Labcorp
Classification: Uncertain significance for Aicardi-Goutieres syndrome 4. Last evaluated: 2022-05-07. Review status: criteria provided, single submitter. Criteria: Invitae Variant Classification Sherloc (09022015). Collection method: clinical testing. Allele origin: germline.
Comment: Algorithms developed to predict the effect of missense changes on protein structure and function (SIFT, PolyPhen-2, Align-GVGD) all suggest that this variant is likely to be tolerated. This variant has not been reported in the literature in individuals affected with RNASEH2A-related conditions. This variant is not present in population databases (gnomAD no frequency). This sequence change replaces serine, which is neutral and polar, with arginine, which is basic and polar, at codon 74 of the RNASEH2A protein (p.Ser74Arg). In summary, the available evidence is currently insufficient to determine the role of this variant in disease. Therefore, it has been classified as a Variant of Uncertain Significance.

NM_006397.3(RNASEH2A):c.222C>A (p.Ser74Arg)

Gene: RNASEH2A (ribonuclease H2 subunit A; plus strand). Cytogenetic location: 19p13.13.
Variant type: single nucleotide variant.
Coding change: c.222C>A on transcript NM_006397.3 (MANE Select); coding-DNA position 222, C replaced by A.
Protein change: p.Ser74Arg; replaces serine 74 with arginine.
Molecular consequence: missense variant.
Genome position (GRCh38, 1-based): chr19:12,807,228, C>A. VCF-style: chr19-12807228-C-A. GRCh37 (hg19) VCF-style: chr19-12918042-C-A.
Other names: short protein forms S74R.
Identifiers: ClinVar variation 2135052 (VCV002135052.4), dbSNP rs891089016, ClinGen allele CA404264721.